The following is an entry in ClinVar:

NM_001025603.2(RFX5):c.809T>G (p.Leu270Ter)

Gene: RFX5 (regulatory factor X5; minus strand). Cytogenetic location: 1q21.3.
Variant type: single nucleotide variant.
Coding change: c.809T>G on transcript NM_001025603.2 (MANE Select); coding-DNA position 809, T replaced by G.
Protein change: p.Leu270Ter; replaces leucine 270 with a stop codon.
Molecular consequence: nonsense.
Genome position (GRCh38, 1-based): chr1:151,343,391, A>C on the plus strand (T>G on the coding strand, the complement: RFX5 is on the minus strand). VCF-style: chr1-151343391-A-C. GRCh37 (hg19) VCF-style: chr1-151315867-A-C.
Other names: c.809T>G, p.Leu270Ter (NM_001379412.1, NM_001379413.1, NM_001379414.1 and 5 more transcripts); c.689T>G, p.Leu230Ter (NM_001379419.1, NM_001379420.1); short protein forms L230*, L270*.
Identifiers: ClinVar variation 2706050 (VCV002706050.3), dbSNP rs2529024443, ClinGen allele CA341935490.
Genomic context (GRCh38, chr1:151,343,391, plus strand): 5'-GACTTCCTTACCTGGGCCAGTCTCTCTGGCTTCTTGTGGGCTCCACCCTCTGGGTTCTCT[A>C]AACCATTCTTTGGTTTAGATGACCGTTCCCGAGGTGCATGTTCGTCCTCTTCTGCAGAGG-3'

ClinVar aggregate classification (germline): Pathogenic (1 of 4 stars; one submission).

Conditions:
MHC class II deficiency. Also called: Bare lymphocyte syndrome 2; BLS, TYPE II. Identifiers: Orphanet 572, MedGen C5447452, MONDO:0008855.

Submission:

Labcorp Genetics (formerly Invitae), Labcorp
Classification: Pathogenic for MHC class II deficiency. Last evaluated: 2023-12-28. Review status: criteria provided, single submitter. Criteria: Invitae Variant Classification Sherloc (09022015). Collection method: clinical testing. Allele origin: germline.
Comment: This sequence change creates a premature translational stop signal (p.Leu270*) in the RFX5 gene. It is expected to result in an absent or disrupted protein product. Loss-of-function variants in RFX5 are known to be pathogenic (PMID: 7744245, 9401005, 10079298). This variant is not present in population databases (gnomAD no frequency). This variant has not been reported in the literature in individuals affected with RFX5-related conditions. For these reasons, this variant has been classified as Pathogenic.

Literature cited by the submitters: PubMed 7744245; PubMed 9401005; PubMed 10079298.